The following is an entry in ClinVar:

ClinVar aggregate classification (germline): Pathogenic (1 of 4 stars; one submission).

Submission:

Labcorp Genetics (formerly Invitae), Labcorp
Classification: Pathogenic. Last evaluated: 2023-05-15. Review status: criteria provided, single submitter. Criteria: Invitae Variant Classification Sherloc (09022015). Collection method: clinical testing. Allele origin: germline.
Comment: ClinVar contains an entry for this variant (Variation ID: 1929073). For these reasons, this variant has been classified as Pathogenic. This variant has not been reported in the literature in individuals affected with PCARE-related conditions. This variant is not present in population databases (gnomAD no frequency). This sequence change creates a premature translational stop signal (p.His691Ilefs*54) in the PCARE gene. It is expected to result in an absent or disrupted protein product. Loss-of-function variants in PCARE are known to be pathogenic (PMID: 20398886, 24339724, 26496393).

Literature cited by the submitters: PubMed 20398886; PubMed 24339724; PubMed 26496393.

NM_001029883.3(PCARE):c.2071del (p.His691fs)

Gene: PCARE (photoreceptor cilium actin regulator; minus strand). Cytogenetic location: 2p23.2.
Variant type: Deletion.
Coding change: c.2071del on transcript NM_001029883.3 (MANE Select); coding-DNA position 2071, one base deleted (C; older notation c.2071delC).
Protein change: p.His691fs; shifts the reading frame from histidine 691.
Molecular consequence: frameshift variant.
Genome position (GRCh38, 1-based): chr2:29,072,191, G deleted on the plus strand (C on the coding strand, the reverse complement: PCARE is on the minus strand); the first of 4 consecutive G bases (chr2:29,072,191-29,072,194); deleting any one gives the same sequence. VCF-style (leftmost placement, unchanged base first): chr2-29072190-TG-T. GRCh37 (hg19) VCF-style: chr2-29295056-TG-T.
Other names: short protein forms H691fs.
Identifiers: ClinVar variation 1929073 (VCV001929073.5), dbSNP rs2465276092, ClinGen allele CA2580066387.